The following is an entry in ClinVar:

ClinVar aggregate classification (germline): Uncertain significance (1 of 4 stars; one submission).

Conditions:
Long QT syndrome (LQTS). Identifiers: MedGen C0023976, MeSH D008133, MONDO:0002442. Disease mechanism: loss of function. Inheritance: Various modes of inheritance.

Allele frequency attached by ClinVar (database versions not stated): gnomAD exomes below 0.00001.
gnomAD v4.1: 1 of 1,614,078 alleles (0.000062%); highest among the groups gnomAD compares: Non-Finnish European, 0.000085%; no homozygotes.

Submission:

Labcorp Genetics (formerly Invitae), Labcorp
Classification: Uncertain significance for Long QT syndrome. Last evaluated: 2024-07-01. Review status: criteria provided, single submitter. Criteria: Invitae Variant Classification Sherloc (09022015). Collection method: clinical testing. Allele origin: germline.
Comment: This sequence change replaces aspartic acid, which is acidic and polar, with asparagine, which is neutral and polar, at codon 2435 of the ANK2 protein (p.Asp2435Asn). This variant is not present in population databases (gnomAD no frequency). This variant has not been reported in the literature in individuals affected with ANK2-related conditions. ClinVar contains an entry for this variant (Variation ID: 1011629). An algorithm developed to predict the effect of missense changes on protein structure and function (PolyPhen-2) suggests that this variant is likely to be disruptive. In summary, the available evidence is currently insufficient to determine the role of this variant in disease. Therefore, it has been classified as a Variant of Uncertain Significance.

NM_001148.6(ANK2):c.7303G>A (p.Asp2435Asn)

Genes: ANK2 (ankyrin 2; plus strand), LOC126807137 (CDK7 strongly-dependent group 2 enhancer GRCh37_chr4:114276560-114277759; plus strand). Cytogenetic location: 4q26.
Variant type: single nucleotide variant.
Coding change: c.7303G>A on transcript NM_001148.6 (MANE Select); coding-DNA position 7303, G replaced by A.
Protein change: p.Asp2435Asn; replaces aspartic acid 2435 with asparagine.
Molecular consequence: missense variant. On other transcripts: intron variant (68).
Genome position (GRCh38, 1-based): chr4:113,355,921, G>A. VCF-style: chr4-113355921-G-A. GRCh37 (hg19) VCF-style: chr4-114277077-G-A.
Other names: c.7069G>A, p.Asp2357Asn (NM_001386142.1); c.3703G>A, p.Asp1235Asn (NM_001386166.1); c.7444G>A, p.Asp2482Asn (NM_001386174.1); c.7420G>A, p.Asp2474Asn (NM_001386175.1); c.4412-4902G>A (NM_001386186.2, NM_001386148.2); c.4214-4902G>A (NM_001354269.3); c.4292-4902G>A (NM_001386187.2); c.4253-4902G>A (NM_001386147.1); and 35 more; short protein forms D1235N, D2357N, D2435N, D2474N, D2482N.
Identifiers: ClinVar variation 1011629 (VCV001011629.5), dbSNP rs2095735927, ClinGen allele CA357930049.